The following is an entry in ClinVar:

NM_016333.4(SRRM2):c.8246C>T (p.Ser2749Phe)

Gene: SRRM2 (serine/arginine repetitive matrix 2; plus strand). Cytogenetic location: 16p13.3.
Variant type: single nucleotide variant.
Coding change: c.8246C>T on transcript NM_016333.4 (MANE Select); coding-DNA position 8246, C replaced by T.
Protein change: p.Ser2749Phe; replaces serine 2749 with phenylalanine.
Molecular consequence: missense variant.
Genome position (GRCh38, 1-based): chr16:2,770,714, C>T. VCF-style: chr16-2770714-C-T. GRCh37 (hg19) VCF-style: chr16-2820715-C-T.
Other names: short protein forms S2749F.
Identifiers: ClinVar variation 3367942 (VCV003367942.1).

ClinVar aggregate classification (germline): Uncertain significance (1 of 4 stars; one submission).

Submission:

GeneDx
Classification: Uncertain significance. Last evaluated: 2024-01-23. Review status: criteria provided, single submitter. Criteria: GeneDx Variant Classification Process June 2021. Collection method: clinical testing. Allele origin: germline. Affected: yes.
Comment: Not observed at significant frequency in large population cohorts (gnomAD); In silico analysis supports that this missense variant does not alter protein structure/function; Has not been previously published as pathogenic or benign to our knowledge